The following is an entry in ClinVar:

NM_001291303.3(FAT4):c.9325A>G (p.Ile3109Val)

Gene: FAT4 (FAT atypical cadherin 4; plus strand). Cytogenetic location: 4q28.1.
Variant type: single nucleotide variant.
Coding change: c.9325A>G on transcript NM_001291303.3 (MANE Select); coding-DNA position 9325, A replaced by G.
Protein change: p.Ile3109Val; replaces isoleucine 3109 with valine.
Molecular consequence: missense variant.
Genome position (GRCh38, 1-based): chr4:125,450,335, A>G. VCF-style: chr4-125450335-A-G. GRCh37 (hg19) VCF-style: chr4-126371490-A-G.
Other names: c.9319A>G (NM_024582.5, NM_024582.4); c.9325A>G, p.Ile3109Val (NM_001291285.3); c.9319A>G, p.Ile3107Val (NM_024582.6); short protein forms I3109V, I3107V.
Identifiers: ClinVar variation 3590047 (VCV003590047.2).

ClinVar aggregate classification (germline): Uncertain significance. Review status: criteria provided, multiple submitters, no conflicts (2 of 4 stars). 2 submissions from 2 submitters: Uncertain significance (2). Last evaluated 2025-07-15.

Conditions:
Van Maldergem syndrome 2 (VMLDS2). Identifiers: Orphanet 314679, MedGen C3809875, MONDO:0014242, OMIM 615546.
Hennekam lymphangiectasia-lymphedema syndrome 2 (HKLLS2). Identifiers: Orphanet 2136, MedGen C4014939, MONDO:0014454, OMIM 616006.

gnomAD v4.1: 10 of 1,614,132 alleles (0.00062%); highest among the groups gnomAD compares: Admixed American, 0.015%; no homozygotes.

Submissions (2):

GeneDx
Classification: Uncertain significance. Last evaluated: 2025-07-15. Review status: criteria provided, single submitter. Criteria: GeneDx Variant Classification Process June 2021. Collection method: clinical testing. Allele origin: germline. Affected: yes.
Comment: In silico analysis suggests that this missense variant does not alter protein structure/function; Has not been previously published as pathogenic or benign to our knowledge

Fulgent Genetics
Classification: Uncertain significance for Van Maldergem syndrome 2; Hennekam lymphangiectasia-lymphedema syndrome 2. Last evaluated: 2024-01-12. Review status: criteria provided, single submitter. Criteria: ACMG Guidelines, 2015. Collection method: clinical testing. Allele origin: germline.